The following is an entry in ClinVar:

ClinVar aggregate classification (germline): Uncertain significance (1 of 4 stars; one submission).

Submission:

Labcorp Genetics (formerly Invitae), Labcorp
Classification: Uncertain significance. Last evaluated: 2023-04-07. Review status: criteria provided, single submitter. Criteria: Invitae Variant Classification Sherloc (09022015). Collection method: clinical testing. Allele origin: germline.
Comment: This sequence change replaces aspartic acid, which is acidic and polar, with alanine, which is neutral and non-polar, at codon 201 of the HOXB13 protein (p.Asp201Ala). This variant is not present in population databases (gnomAD no frequency). This variant has not been reported in the literature in individuals affected with HOXB13-related conditions. An algorithm developed to predict the effect of missense changes on protein structure and function (PolyPhen-2) suggests that this variant is likely to be tolerated. In summary, the available evidence is currently insufficient to determine the role of this variant in disease. Therefore, it has been classified as a Variant of Uncertain Significance.

NM_006361.6(HOXB13):c.602A>C (p.Asp201Ala)

Gene: HOXB13 (homeobox B13; minus strand). Cytogenetic location: 17q21.32.
Variant type: single nucleotide variant.
Coding change: c.602A>C on transcript NM_006361.6 (MANE Select); coding-DNA position 602, A replaced by C.
Protein change: p.Asp201Ala; replaces aspartic acid 201 with alanine.
Molecular consequence: missense variant.
Genome position (GRCh38, 1-based): chr17:48,727,043, T>G on the plus strand (A>C on the coding strand, the complement: HOXB13 is on the minus strand). VCF-style: chr17-48727043-T-G. GRCh37 (hg19) VCF-style: chr17-46804405-T-G.
Other names: short protein forms D201A.
Identifiers: ClinVar variation 2792615 (VCV002792615.3), dbSNP rs2509513557, ClinGen allele CA400107079.